The following is an entry in ClinVar:

ClinVar aggregate classification (germline): Uncertain significance (1 of 4 stars; one submission).

Submission:

GeneDx
Classification: Uncertain significance. Last evaluated: 2022-01-11. Review status: criteria provided, single submitter. Criteria: GeneDx Variant Classification Process June 2021. Collection method: clinical testing. Allele origin: germline. Affected: yes.
Comment: Not observed at significant frequency in large population cohorts (gnomAD); In silico analysis supports that this missense variant has a deleterious effect on protein structure/function; Has not been previously published as pathogenic or benign to our knowledge

NM_001353345.2(SETD1B):c.332A>G (p.Asn111Ser)

Gene: SETD1B (SET domain containing 1B, histone lysine methyltransferase; plus strand). Cytogenetic location: 12q24.31.
Variant type: single nucleotide variant.
Coding change: c.332A>G on transcript NM_001353345.2 (MANE Select); coding-DNA position 332, A replaced by G.
Protein change: p.Asn111Ser; replaces asparagine 111 with serine.
Molecular consequence: missense variant.
Genome position (GRCh38, 1-based): chr12:121,805,893, A>G. VCF-style: chr12-121805893-A-G. GRCh37 (hg19) VCF-style: chr12-122243799-A-G.
Other names: short protein forms N111S.
Identifiers: ClinVar variation 1699714 (VCV001699714.2), dbSNP rs2137544206, ClinGen allele CA386987693.